The following is an entry in ClinVar:

ClinVar aggregate classification (germline): Uncertain significance. Review status: criteria provided, multiple submitters, no conflicts (2 of 4 stars). 4 submissions from 4 submitters: Uncertain significance (4). Last evaluated 2024-02-09.

Conditions:
Autosomal recessive inherited pseudoxanthoma elasticum (PXE). Identifiers: Orphanet 758, MedGen CN032334, MONDO:0009925, OMIM 264800.
Pseudoxanthoma elasticum, forme fruste. Also called: Pseudoxanthoma Elasticum, Incomplete; PSEUDOXANTHOMA ELASTICUM, HETEROZYGOUS. Identifiers: Orphanet 758, MedGen C1867450, MONDO:0008333, OMIM 177850.
Arterial calcification, generalized, of infancy, 2. Identifiers: Orphanet 51608, MedGen C3276161, MONDO:0013768, OMIM 614473.

Allele frequency attached by ClinVar (database versions not stated): gnomAD exomes 0.00003; TOPMed 0.00004; ExAC 0.00006; ESP Exome Variant Server 0.00008.
gnomAD v4.1: 54 of 1,614,074 alleles (0.0033%); highest among the groups gnomAD compares: Non-Finnish European, 0.00076%; no homozygotes.

Submissions (4):

Fulgent Genetics
Classification: Uncertain significance for Pseudoxanthoma elasticum, forme fruste; Autosomal recessive inherited pseudoxanthoma elasticum; Arterial calcification, generalized, of infancy, 2. Last evaluated: 2024-02-09. Review status: criteria provided, single submitter. Criteria: ACMG Guidelines, 2015. Collection method: clinical testing. Allele origin: germline.

Blueprint Genetics
Classification: Uncertain significance. Last evaluated: 2023-08-28. Review status: criteria provided, single submitter. Criteria: ACMG Guidelines, 2015. Collection method: clinical testing. Allele origin: germline.

Labcorp Genetics (formerly Invitae), Labcorp
Classification: Uncertain significance. Last evaluated: 2022-02-25. Review status: criteria provided, single submitter. Criteria: Invitae Variant Classification Sherloc (09022015). Collection method: clinical testing. Allele origin: germline.
Comment: This sequence change replaces cysteine, which is neutral and slightly polar, with arginine, which is basic and polar, at codon 712 of the ABCC6 protein (p.Cys712Arg). This variant is present in population databases (rs140013237, gnomAD 0.1%). This variant has not been reported in the literature in individuals affected with ABCC6-related conditions. ClinVar contains an entry for this variant (Variation ID: 808011). Algorithms developed to predict the effect of missense changes on protein structure and function (SIFT, PolyPhen-2, Align-GVGD) all suggest that this variant is likely to be tolerated. In summary, the available evidence is currently insufficient to determine the role of this variant in disease. Therefore, it has been classified as a Variant of Uncertain Significance.

CeGaT Center for Human Genetics Tuebingen
Classification: Uncertain significance. Last evaluated: 2019-06-01. Review status: criteria provided, single submitter. Criteria: CeGaT Center For Human Genetics Tuebingen Variant Classification Criteria Version 2. Collection method: clinical testing. Allele origin: germline. Affected: yes. Observed: 1 variant allele.

NM_001171.6(ABCC6):c.2134T>C (p.Cys712Arg)

Gene: ABCC6 (ATP binding cassette subfamily C member 6; minus strand). Cytogenetic location: 16p13.11.
Variant type: single nucleotide variant.
Coding change: c.2134T>C on transcript NM_001171.6 (MANE Select); coding-DNA position 2134, T replaced by C.
Protein change: p.Cys712Arg; replaces cysteine 712 with arginine.
Molecular consequence: missense variant. On other transcripts: non-coding transcript variant (1).
Genome position (GRCh38, 1-based): chr16:16,182,525, A>G on the plus strand (T>C on the coding strand, the complement: ABCC6 is on the minus strand). VCF-style: chr16-16182525-A-G. GRCh37 (hg19) VCF-style: chr16-16276382-A-G.
Other names: c.1792T>C, p.Cys598Arg (NM_001351800.1); short protein forms C712R, C598R.
Identifiers: ClinVar variation 808011 (VCV000808011.46), dbSNP rs140013237, ClinGen allele CA7926002.